The following is an entry in ClinVar:

NM_000038.6(APC):c.5529T>A (p.Pro1843=)

Gene: APC (APC regulator of Wnt signaling pathway; plus strand). Cytogenetic location: 5q22.2.
Variant type: single nucleotide variant.
Coding change: c.5529T>A on transcript NM_000038.6 (MANE Select); coding-DNA position 5529, T replaced by A.
Protein change: p.Pro1843=; no amino-acid change (proline 1843 retained).
Molecular consequence: synonymous variant.
Genome position (GRCh38, 1-based): chr5:112,841,123, T>A. VCF-style: chr5-112841123-T-A. GRCh37 (hg19) VCF-style: chr5-112176820-T-A.
Other names: c.5529T>A, p.Pro1843= (NM_001127510.3, NM_001354895.2); c.5475T>A, p.Pro1825= (NM_001127511.3); c.5583T>A, p.Pro1861= (NM_001354896.2); c.5559T>A, p.Pro1853= (NM_001354897.2); c.5454T>A, p.Pro1818= (NM_001354898.2); c.5445T>A, p.Pro1815= (NM_001354899.2); c.5406T>A, p.Pro1802= (NM_001354900.2); c.5352T>A, p.Pro1784= (NM_001354901.2); and 5 more.
Identifiers: ClinVar variation 416764 (VCV000416764.22), dbSNP rs1060504894, ClinGen allele CA16611646.

ClinVar aggregate classification (germline): Benign/Likely benign. Review status: criteria provided, multiple submitters, no conflicts (2 of 4 stars). 7 submissions from 7 submitters: Benign (1); Likely benign (6). Last evaluated 2025-11-01.

Conditions:
Hereditary cancer-predisposing syndrome. Also called: Tumor predisposition; Neoplastic Syndromes, Hereditary; Hereditary neoplastic syndrome; Hereditary Cancer Syndrome. Identifiers: Orphanet 140162, MedGen C0027672, MeSH D009386, MONDO:0015356.
Familial adenomatous polyposis 1 (FAP1). Also called: FAMILIAL ADENOMATOUS POLYPOSIS 1, ATTENUATED; POLYPOSIS, ADENOMATOUS INTESTINAL. Identifiers: MedGen C2713442, MONDO:0021056, OMIM 175100. Disease mechanism: loss of function.
Classic or attenuated familial adenomatous polyposis. Identifiers: MedGen CN372698, MONDO:0021057.

Allele frequency attached by ClinVar (database versions not stated): gnomAD exomes below 0.00001 and 0.00001; TOPMed below 0.00001; gnomAD 0.00001.
gnomAD v4.1: 8 of 1,612,778 alleles (0.0005%); highest among the groups gnomAD compares: Non-Finnish European, 0.00068%; no homozygotes.

Submissions (7):

Labcorp Genetics (formerly Invitae), Labcorp
Classification: Likely benign for Familial adenomatous polyposis 1. Last evaluated: 2025-11-01. Review status: criteria provided, single submitter. Criteria: Invitae Variant Classification Sherloc (09022015). Collection method: clinical testing. Allele origin: germline.

Women's Health and Genetics/Laboratory Corporation of America, LabCorp
Classification: Likely benign. Last evaluated: 2024-05-13. Review status: criteria provided, single submitter. Criteria: LabCorp Variant Classification Summary - May 2015. Collection method: clinical testing. Allele origin: germline.

Myriad Genetics, Inc.
Classification: Benign for Familial adenomatous polyposis 1. Last evaluated: 2024-04-02. Review status: criteria provided, single submitter. Criteria: Myriad Autosomal Dominant, Autosomal Recessive and X-Linked Classification Criteria (2023). Collection method: clinical testing. Allele origin: unknown.
Comment: This variant is considered benign. This variant is a silent/synonymous amino acid change and it is not expected to impact splicing.

All of Us Research Program, National Institutes of Health
Classification: Likely benign for Classic or attenuated familial adenomatous polyposis. Last evaluated: 2023-08-15. Review status: criteria provided, single submitter. Criteria: ACMG Guidelines, 2015. Collection method: clinical testing. Allele origin: germline. Inheritance: Autosomal dominant inheritance. Observed: 5 variant alleles, 5 heterozygotes.
Comment: This study involves interpretation of variants in research participants for the purpose of population health screening. Participant phenotype was not available at the time of variant classification. Additional details can be found in publication PMID: 35346344, PMCID: PMC8962531

Sema4
Classification: Likely benign for Hereditary cancer-predisposing syndrome. Last evaluated: 2021-08-09. Review status: criteria provided, single submitter. Criteria: Sema4 Curation Guidelines. Collection method: curation. Allele origin: germline.

Color Diagnostics, LLC DBA Color Health
Classification: Likely benign for Hereditary cancer-predisposing syndrome. Last evaluated: 2018-06-18. Review status: criteria provided, single submitter. Criteria: ACMG Guidelines, 2015. Collection method: clinical testing. Allele origin: germline.

Ambry Genetics
Classification: Likely benign for Hereditary cancer-predisposing syndrome. Last evaluated: 2016-04-21. Review status: criteria provided, single submitter. Criteria: Ambry Variant Classification Scheme 2023. Collection method: clinical testing. Allele origin: germline.